The following is an entry in ClinVar:

NM_018089.3(ANKZF1):c.2068A>C (p.Ser690Arg)

Gene: ANKZF1 (ankyrin repeat and zinc finger peptidyl tRNA hydrolase 1; plus strand). Cytogenetic location: 2q35.
Variant type: single nucleotide variant.
Coding change: c.2068A>C on transcript NM_018089.3 (MANE Select); coding-DNA position 2068, A replaced by C.
Protein change: p.Ser690Arg; replaces serine 690 with arginine.
Molecular consequence: missense variant.
Genome position (GRCh38, 1-based): chr2:219,236,332, A>C. VCF-style: chr2-219236332-A-C. GRCh37 (hg19) VCF-style: chr2-220101054-A-C.
Other names: c.2068A>C, p.Ser690Arg (NM_001042410.2); c.1438A>C, p.Ser480Arg (NM_001282792.2); short protein forms S690R, S480R.
Identifiers: ClinVar variation 2868875 (VCV002868875.3), dbSNP rs1951233659, ClinGen allele CA350689223.
Genomic context (GRCh38, chr2:219,236,332, plus strand): 5'-TGGAAAGTTTCTGGGGTACCTGTCCAGCCATTTTTCTTCCTCTTGTTCAGACGCTGCTGG[A>C]GTTGTGGGGCATCCCTCCAAGGCCTGACTCCCTTTCACTACCTCGACTTCTCTTTCTGCT-3'
Protein context (NP_060559.2, residues 680-700): SAIVNTRRCW[Ser690Arg]CGASLQGLTP

ClinVar aggregate classification (germline): Uncertain significance (1 of 4 stars; one submission).

Allele frequency attached by ClinVar (database versions not stated): gnomAD exomes below 0.00001; TOPMed below 0.00001.

Submission:

Labcorp Genetics (formerly Invitae), Labcorp
Classification: Uncertain significance. Last evaluated: 2023-08-11. Review status: criteria provided, single submitter. Criteria: Invitae Variant Classification Sherloc (09022015). Collection method: clinical testing. Allele origin: germline.
Comment: This variant has not been reported in the literature in individuals affected with ANKZF1-related conditions. An algorithm developed to predict the effect of missense changes on protein structure and function (PolyPhen-2) suggests that this variant is likely to be tolerated. In summary, the available evidence is currently insufficient to determine the role of this variant in disease. Therefore, it has been classified as a Variant of Uncertain Significance. This sequence change replaces serine, which is neutral and polar, with arginine, which is basic and polar, at codon 690 of the ANKZF1 protein (p.Ser690Arg). This variant is not present in population databases (gnomAD no frequency).